The following is an entry in ClinVar:

ClinVar aggregate classification (germline): Uncertain significance (1 of 4 stars; one submission).

Conditions:
Cardiovascular phenotype. Identifiers: MedGen CN230736.

gnomAD v4.1: 1 of 1,613,888 alleles (0.000062%); highest among the groups gnomAD compares: Non-Finnish European, 0.000085%; no homozygotes.

Submission:

Ambry Genetics
Classification: Uncertain significance for Cardiovascular phenotype. Last evaluated: 2026-06-09. Review status: criteria provided, single submitter. Criteria: Ambry Variant Classification Scheme 2023. Collection method: clinical testing. Allele origin: germline.
Comment: The p.L1919M variant (also known as c.5755C>A), located in coding exon 35 of the FLNC gene, results from a C to A substitution at nucleotide position 5755. The leucine at codon 1919 is replaced by methionine, an amino acid with highly similar properties. This amino acid position is conserved. In addition, the in silico prediction for this alteration is inconclusive. Based on the available evidence, the clinical significance of this variant remains unclear.

NM_001458.5(FLNC):c.5755C>A (p.Leu1919Met)

Genes: FLNC (filamin C; plus strand), FLNC-AS1 (FLNC antisense RNA 1; minus strand). Cytogenetic location: 7q32.1.
Variant type: single nucleotide variant.
Coding change: c.5755C>A on transcript NM_001458.5 (MANE Select); coding-DNA position 5755, C replaced by A.
Protein change: p.Leu1919Met; replaces leucine 1919 with methionine.
Molecular consequence: missense variant.
Genome position (GRCh38, 1-based): chr7:128,851,541, C>A. VCF-style: chr7-128851541-C-A. GRCh37 (hg19) VCF-style: chr7-128491595-C-A.
Other names: c.5656C>A, p.Leu1886Met (NM_001127487.2); short protein forms L1886M, L1919M.
Identifiers: ClinVar variation 4871473 (VCV004871473.1).